The following is an entry in ClinVar:

NM_001166108.2(PALLD):c.*37G>T

Genes: CBR4 (carbonyl reductase 4; minus strand), PALLD (palladin, cytoskeletal associated protein; plus strand). Cytogenetic location: 4q32.3.
Variant type: single nucleotide variant.
Coding change: c.*37G>T on transcript NM_001166108.2 (MANE Select); 37 bases downstream of the stop codon, G replaced by T.
Molecular consequence: 3 prime UTR variant. On other transcripts: missense variant (4).
Genome position (GRCh38, 1-based): chr4:168,926,217, G>T. VCF-style: chr4-168926217-G-T. GRCh37 (hg19) VCF-style: chr4-169847368-G-T.
Other names: c.2166G>T, p.Gln722His (NM_001166109.2); c.1851G>T, p.Gln617His (NM_001166110.2); c.*37G>T (NM_001367567.1, NM_001367570.1, NM_016081.4); c.1242G>T, p.Gln414His (NM_001367568.1); c.1191G>T, p.Gln397His (NM_001367569.1); c.1851G>T (NM_001166110.1); short protein forms Q397H, Q722H, Q414H, Q617H.
Identifiers: ClinVar variation 2158423 (VCV002158423.5), dbSNP rs950069781, ClinGen allele CA109864652.
Genomic context (GRCh38, chr4:168,926,217, plus strand): 5'-AAGGCTTTCCAAGTATATCTTGATTAAAAATCTTAATTTACTCTTTTTCTTTGTAGCCCA[G>T]TGGCATCAGCAGTCACAGAGCACCAAGCCAAAAAAAGTACGGCCCTCAGCCAGTCGCTAT-3'

ClinVar aggregate classification (germline): Uncertain significance. Review status: criteria provided, multiple submitters, no conflicts (2 of 4 stars). 2 submissions from 2 submitters: Uncertain significance (2). Last evaluated 2026-04-05.

Conditions:
Pancreatic adenocarcinoma. Identifiers: MedGen C0281361, MONDO:0006047, HP:0006725.

Allele frequency attached by ClinVar (database versions not stated): gnomAD exomes below 0.00001.
gnomAD v4.1: 2 of 1,530,048 alleles (0.00013%); highest among the groups gnomAD compares: Middle Eastern, 0.017%; no homozygotes.

Submissions (2):

Ambry Genetics
Classification: Uncertain significance. Last evaluated: 2026-04-05. Review status: criteria provided, single submitter. Criteria: Ambry Variant Classification Scheme 2023. Collection method: clinical testing. Allele origin: germline.
Comment: The p.Q617H variant (also known as c.1851G>T), located in coding exon 11 of the PALLD gene, results from a G to T substitution at nucleotide position 1851. The glutamine at codon 617 is replaced by histidine, an amino acid with highly similar properties. This amino acid position is conserved. In addition, this alteration is predicted to be tolerated by in silico analysis. Based on the available evidence, the clinical significance of this variant remains unclear.

Labcorp Genetics (formerly Invitae), Labcorp
Classification: Uncertain significance for Pancreatic adenocarcinoma. Last evaluated: 2022-03-11. Review status: criteria provided, single submitter. Criteria: Invitae Variant Classification Sherloc (09022015). Collection method: clinical testing. Allele origin: germline.
Comment: Algorithms developed to predict the effect of missense changes on protein structure and function (SIFT, PolyPhen-2, Align-GVGD) all suggest that this variant is likely to be tolerated. This variant has not been reported in the literature in individuals affected with PALLD-related conditions. This variant is present in population databases (no rsID available, gnomAD 0.002%). This sequence change replaces glutamine, which is neutral and polar, with histidine, which is basic and polar, at codon 617 of the PALLD protein (p.Gln617His). Algorithms developed to predict the effect of sequence changes on RNA splicing suggest that this variant may disrupt the consensus splice site. In summary, the available evidence is currently insufficient to determine the role of this variant in disease. Therefore, it has been classified as a Variant of Uncertain Significance.